The following is an entry in ClinVar:

ClinVar aggregate classification (germline): Uncertain significance (0 of 4 stars; one submission).

Conditions:
PLXNA4-related disorder. Also called: PLXNA4-related condition.

Submission:

PreventionGenetics, part of Exact Sciences
Classification: Uncertain significance for PLXNA4-related condition. Last evaluated: 2024-08-28. Review status: no assertion criteria provided. Collection method: clinical testing. Allele origin: germline.
Comment: The PLXNA4 c.1432C>T variant is predicted to result in the amino acid substitution p.Pro478Ser. To our knowledge, this variant has not been reported in the literature or in a large population database, indicating this variant is rare. At this time, the clinical significance of this variant is uncertain due to the absence of conclusive functional and genetic evidence.

NM_020911.2(PLXNA4):c.1371+4339C>T

Gene: PLXNA4 (plexin A4; minus strand). Cytogenetic location: 7q32.3.
Variant type: single nucleotide variant.
Coding change: c.1371+4339C>T on transcript NM_020911.2 (MANE Select); 4339 bases into the intron after coding-DNA position 1371, C replaced by T.
Molecular consequence: intron variant. On other transcripts: missense variant (1).
Genome position (GRCh38, 1-based): chr7:132,484,953, G>A on the plus strand (C>T on the coding strand, the complement: PLXNA4 is on the minus strand). VCF-style: chr7-132484953-G-A. GRCh37 (hg19) VCF-style: chr7-132169712-G-A.
Other names: c.1432C>T, p.Pro478Ser (NM_181775.4); c.1371+4339C>T (NM_001393897.1, NM_001105543.2); short protein forms P478S.
Identifiers: ClinVar variation 3347424 (VCV003347424.1).